The following is an entry in ClinVar:

ClinVar aggregate classification (germline): Uncertain significance (1 of 4 stars; one submission).

Conditions:
Inborn genetic diseases. Identifiers: MedGen C0950123, MeSH D030342.

gnomAD v4.1: 13 of 1,611,494 alleles (0.00081%); highest among the groups gnomAD compares: South Asian, 0.014%; no homozygotes.

Submission:

Ambry Genetics
Classification: Uncertain significance for Inborn genetic diseases. Last evaluated: 2025-09-11. Review status: criteria provided, single submitter. Criteria: Ambry Variant Classification Scheme 2023. Collection method: clinical testing. Allele origin: germline.
Comment: The p.D176G variant (also known as c.527A>G), located in coding exon 4 of the HAX1 gene, results from an A to G substitution at nucleotide position 527. The aspartic acid at codon 176 is replaced by glycine, an amino acid with similar properties. This amino acid position is conserved. In addition, this alteration is predicted to be tolerated by in silico analysis. Based on the available evidence, the clinical significance of this variant remains unclear.

NM_006118.4(HAX1):c.527A>G (p.Asp176Gly)

Gene: HAX1 (HCLS1 associated protein X-1; plus strand). Cytogenetic location: 1q21.3.
Variant type: single nucleotide variant.
Coding change: c.527A>G on transcript NM_006118.4 (MANE Select); coding-DNA position 527, A replaced by G.
Protein change: p.Asp176Gly; replaces aspartic acid 176 with glycine.
Molecular consequence: missense variant.
Genome position (GRCh38, 1-based): chr1:154,274,972, A>G. VCF-style: chr1-154274972-A-G. GRCh37 (hg19) VCF-style: chr1-154247448-A-G.
Other names: c.383A>G, p.Asp128Gly (NM_001018837.2); short protein forms D128G, D176G.
Identifiers: ClinVar variation 4269061 (VCV004269061.1).